The following is an entry in ClinVar:

ClinVar aggregate classification (germline): Conflicting classifications of pathogenicity. Review status: criteria provided, conflicting classifications (1 of 4 stars). 3 submissions from 3 submitters: Uncertain significance (1); Benign (1); Likely benign (1). Last evaluated 2025-12-18.

Conditions:
Familial cold autoinflammatory syndrome 2 (FCAS2). Identifiers: Orphanet 247868, MedGen C2673198, MONDO:0012724, OMIM 611762.
Autoinflammatory syndrome. Identifiers: Orphanet 93665, MedGen C3890737, MONDO:0019751.

Allele frequency attached by ClinVar (database versions not stated): gnomAD below 0.00001 and 0.00013; TOPMed 0.00005; gnomAD exomes 0.00034 and 0.00072; ExAC 0.00074; 1000 Genomes Project 0.00120; 1000 Genomes Project 30x 0.00125.
gnomAD v4.1: 523 of 1,614,140 alleles (0.032%); highest among the groups gnomAD compares: South Asian, 0.53%; 10 homozygotes.

Submissions (3):

Labcorp Genetics (formerly Invitae), Labcorp
Classification: Benign for Familial cold autoinflammatory syndrome 2. Last evaluated: 2025-12-18. Review status: criteria provided, single submitter. Criteria: Invitae Variant Classification Sherloc (09022015). Collection method: clinical testing. Allele origin: germline.

Genome Diagnostics Laboratory, The Hospital for Sick Children
Classification: Likely benign for Autoinflammatory syndrome. Last evaluated: 2022-01-25. Review status: criteria provided, single submitter. Criteria: ACMG Guidelines, 2015. Collection method: clinical testing. Allele origin: germline. Affected: yes.

Center for Genomics, Ann and Robert H. Lurie Children's Hospital of Chicago
Classification: Uncertain significance for Familial cold autoinflammatory syndrome 2. Last evaluated: 2021-11-23. Review status: criteria provided, single submitter. Criteria: ACMG Guidelines, 2015. Collection method: clinical testing. Allele origin: germline.
Comment: NLRP12 NM_144687 exon 4 p.Gly736Arg (c.2206G>A): This variant has not been reported in the literature but is present in 0.5% (176/30774) of South Asian alleles, including 3 homozygotes in the Genome Aggregation Database. Evolutionary conservation and computational predictive tools suggest that this variant may impact the protein. In summary, data on this variant is insufficient for disease classification. Therefore, the clinical significance of this variant is uncertain.

NM_144687.4(NLRP12):c.2206G>A (p.Gly736Arg)

Gene: NLRP12 (NLR family pyrin domain containing 12; minus strand). Cytogenetic location: 19q13.42.
Variant type: single nucleotide variant.
Coding change: c.2206G>A on transcript NM_144687.4 (MANE Select); coding-DNA position 2206, G replaced by A.
Protein change: p.Gly736Arg; replaces glycine 736 with arginine.
Molecular consequence: missense variant.
Genome position (GRCh38, 1-based): chr19:53,807,532, C>T on the plus strand (G>A on the coding strand, the complement: NLRP12 is on the minus strand). VCF-style: chr19-53807532-C-T. GRCh37 (hg19) VCF-style: chr19-54310786-C-T.
Other names: c.2209G>A, p.Gly737Arg (NM_001277126.2); c.2206G>A, p.Gly736Arg (NM_001277129.1); short protein forms G737R, G736R.
Identifiers: ClinVar variation 536936 (VCV000536936.17), dbSNP rs554602951, ClinGen allele CA9639189.